The following is an entry in ClinVar:

ClinVar aggregate classification (germline): Uncertain significance (1 of 4 stars; one submission).

gnomAD v4.1: 6 of 1,610,934 alleles (0.00037%); highest among the groups gnomAD compares: Non-Finnish European, 0.00051%; no homozygotes.

Submission:

Ambry Genetics
Classification: Uncertain significance. Last evaluated: 2024-11-20. Review status: criteria provided, single submitter. Criteria: Ambry Variant Classification Scheme 2023. Collection method: clinical testing. Allele origin: germline.
Comment: The p.S310R variant (also known as c.930T>G), located in coding exon 7 of the GEN1 gene, results from a T to G substitution at nucleotide position 930. The serine at codon 310 is replaced by arginine, an amino acid with dissimilar properties. This amino acid position is conserved. In addition, this alteration is predicted to be tolerated by in silico analysis. Based on the available evidence, the clinical significance of this variant remains unclear.

NM_001130009.3(GEN1):c.930T>G (p.Ser310Arg)

Gene: GEN1 (GEN1 Holliday junction 5' flap endonuclease; plus strand). Cytogenetic location: 2p24.2.
Variant type: single nucleotide variant.
Coding change: c.930T>G on transcript NM_001130009.3 (MANE Select); coding-DNA position 930, T replaced by G.
Protein change: p.Ser310Arg; replaces serine 310 with arginine.
Molecular consequence: missense variant.
Genome position (GRCh38, 1-based): chr2:17,772,761, T>G. VCF-style: chr2-17772761-T-G. GRCh37 (hg19) VCF-style: chr2-17954028-T-G.
Other names: c.930T>G, p.Ser310Arg (NM_182625.5); short protein forms S310R.
Identifiers: ClinVar variation 3519716 (VCV003519716.1).